The following is an entry in ClinVar:

ClinVar aggregate classification (germline): Pathogenic (1 of 4 stars; one submission).

Conditions:
Hearing loss, autosomal recessive 106. Also called: DEAFNESS, AUTOSOMAL RECESSIVE 106. Identifiers: MedGen C4539954, MONDO:0033198, OMIM 617637.

Submission:

OLLIN Analises Genomicas, OLLIN
Classification: Pathogenic for Hearing loss, autosomal recessive 106. Last evaluated: 2025-12-01. Review status: criteria provided, single submitter. Criteria: ACMG Guidelines 2015 PMID 25741868. Collection method: clinical testing. Allele origin: germline. Affected: yes. Observed: 1 variant allele.
Comment: The frameshift variant (chr11:725790G>AT), located in exon 17 (of 21), is absent in gnomAD v4.1 non-UKB and ClinVar and has not been found in the scientific literature. This variant promotes a frameshift with subsequent introduction of an early stop codon, predictively resulting in a truncated protein or mRNA degradation via nonsense-mediated decay (NMD). According to currently available evidence, this variant has been classified as pathogenic (PVS1, PM2_P, PM3_P).

NM_022772.4(EPS8L2):c.1623delinsAT (p.Pro542fs)

Genes: EPS8L2 (EPS8 signaling adaptor L2; plus strand), LOC130005080 (ATAC-STARR-seq lymphoblastoid silent region 3020; plus strand). Cytogenetic location: 11p15.5.
Variant type: Indel.
Coding change: c.1623delinsAT on transcript NM_022772.4 (MANE Select); coding-DNA position 1623, G replaced by AT.
Protein change: p.Pro542fs; shifts the reading frame from proline 542.
Molecular consequence: frameshift variant.
Genome position (GRCh38, 1-based): chr11:725,790, G replaced by AT. VCF-style: chr11-725790-G-AT. GRCh37 (hg19) VCF-style: chr11-725790-G-AT.
Other names: c.1623delinsAT, p.Pro542fs (NM_001441192.1, NM_001441193.1); c.1086delinsAT, p.Pro363fs (NM_001441194.1); short protein forms P363fs, P542fs.
Identifiers: ClinVar variation 4814128 (VCV004814128.1).